The following is an entry in ClinVar:

NM_004656.4(BAP1):c.389C>T (p.Ala130Val)

Gene: BAP1 (BRCA1 associated deubiquitinase 1; minus strand). Cytogenetic location: 3p21.1.
Variant type: single nucleotide variant.
Coding change: c.389C>T on transcript NM_004656.4 (MANE Select); coding-DNA position 389, C replaced by T.
Protein change: p.Ala130Val; replaces alanine 130 with valine.
Molecular consequence: missense variant.
Genome position (GRCh38, 1-based): chr3:52,407,447, G>A on the plus strand (C>T on the coding strand, the complement: BAP1 is on the minus strand). VCF-style: chr3-52407447-G-A. GRCh37 (hg19) VCF-style: chr3-52441463-G-A.
Other names: c.389C>T (NM_004656.2); short protein forms A130V.
Identifiers: ClinVar variation 628261 (VCV000628261.11), dbSNP rs1559590761, ClinGen allele CA353111185.

ClinVar aggregate classification (germline): Uncertain significance. Review status: criteria provided, multiple submitters, no conflicts (2 of 4 stars). 3 submissions from 3 submitters: Uncertain significance (3). Last evaluated 2025-04-13.

Conditions:
Hereditary cancer-predisposing syndrome. Also called: Neoplastic Syndromes, Hereditary; Tumor predisposition; Hereditary neoplastic syndrome; Hereditary Cancer Syndrome. Identifiers: Orphanet 140162, MedGen C0027672, MeSH D009386, MONDO:0015356.
BAP1-related tumor predisposition syndrome (TPDS1). Also called: Tumor susceptibility linked to germline BAP1 mutations; BAP1 tumor predisposition syndrome; TUMOR PREDISPOSITION SYNDROME 1; COMMON Syndrome. Identifiers: Orphanet 289539, MedGen C3280492, MONDO:0013692, OMIM 614327.

Allele frequency attached by ClinVar (database versions not stated): gnomAD exomes 0.00001.
gnomAD v4.1: 12 of 1,614,200 alleles (0.00074%); highest among the groups gnomAD compares: Non-Finnish European, 0.001%; no homozygotes.

Submissions (3):

Labcorp Genetics (formerly Invitae), Labcorp
Classification: Uncertain significance for BAP1-related tumor predisposition syndrome. Last evaluated: 2025-04-13. Review status: criteria provided, single submitter. Criteria: Invitae Variant Classification Sherloc (09022015). Collection method: clinical testing. Allele origin: germline.
Comment: This sequence change replaces alanine, which is neutral and non-polar, with valine, which is neutral and non-polar, at codon 130 of the BAP1 protein (p.Ala130Val). This variant is not present in population databases (gnomAD no frequency). This missense change has been observed in individual(s) with melanoma (PMID: 28062663). ClinVar contains an entry for this variant (Variation ID: 628261). Invitae Evidence Modeling of protein sequence and biophysical properties (such as structural, functional, and spatial information, amino acid conservation, physicochemical variation, residue mobility, and thermodynamic stability) indicates that this missense variant is not expected to disrupt BAP1 protein function with a negative predictive value of 80%. Experimental studies have shown that this missense change does not substantially affect BAP1 function (PMID: 28062663). In summary, the available evidence is currently insufficient to determine the role of this variant in disease. Therefore, it has been classified as a Variant of Uncertain Significance.

Color Diagnostics, LLC DBA Color Health
Classification: Uncertain significance for Hereditary cancer-predisposing syndrome. Last evaluated: 2024-03-07. Review status: criteria provided, single submitter. Criteria: ACMG Guidelines, 2015. Collection method: clinical testing. Allele origin: germline.
Comment: This missense variant replaces alanine with valine at codon 130 of the BAP1 protein. Computational prediction is inconclusive regarding the impact of this variant on protein structure and function. Functional studies have reported that this variant did not substantially impact deubiquitinase activity (PMID: 28062663). In a case-control study, this variant was reported in 1/1977 melanoma cases and absent in 754 controls (PMID: 28062663). This variant has not been identified in the general population by the Genome Aggregation Database (gnomAD). The available evidence is insufficient to determine the role of this variant in disease conclusively. Therefore, this variant is classified as a Variant of Uncertain Significance.

Ambry Genetics
Classification: Uncertain significance for Hereditary cancer-predisposing syndrome. Last evaluated: 2023-04-20. Review status: criteria provided, single submitter. Criteria: Ambry Variant Classification Scheme 2023. Collection method: clinical testing. Allele origin: germline.
Comment: The p.A130V variant (also known as c.389C>T), located in coding exon 6 of the BAP1 gene, results from a C to T substitution at nucleotide position 389. The alanine at codon 130 is replaced by valine, an amino acid with similar properties. In one study, this variant was identified in 1/1977 melanoma cases and 0/754 controls (O'Shea SJ et al. Hum Mol Genet, 2017 Feb;26:717-728). This amino acid position is highly conserved in available vertebrate species. In addition, the in silico prediction for this alteration is inconclusive. Since supporting evidence is limited at this time, the clinical significance of this alteration remains unclear.

Literature cited by the submitters: PubMed 28062663 (cited by 3 submitters).